The following is an entry in ClinVar:

NM_021098.3(CACNA1H):c.5164A>G (p.Ile1722Val)

Gene: CACNA1H (calcium voltage-gated channel subunit alpha1 H; plus strand). Cytogenetic location: 16p13.3.
Variant type: single nucleotide variant.
Coding change: c.5164A>G on transcript NM_021098.3 (MANE Select); coding-DNA position 5164, A replaced by G.
Protein change: p.Ile1722Val; replaces isoleucine 1722 with valine.
Molecular consequence: missense variant.
Genome position (GRCh38, 1-based): chr16:1,215,366, A>G. VCF-style: chr16-1215366-A-G. GRCh37 (hg19) VCF-style: chr16-1265366-A-G.
Other names: c.5146A>G, p.Ile1716Val (NM_001005407.2); short protein forms I1716V, I1722V.
Identifiers: ClinVar variation 2089559 (VCV002089559.4), dbSNP rs1487606695, ClinGen allele CA394146552.

ClinVar aggregate classification (germline): Uncertain significance (1 of 4 stars; one submission).

Conditions:
Idiopathic generalized epilepsy. Also called: EIG; Generalised epilepsy. Identifiers: MedGen C0270850, MONDO:0005579, OMIM 600669.
Hyperaldosteronism, familial, type IV (HALD4). Also called: FH IV; ALDOSTERONISM, PRIMARY, AND HYPERTENSION. Identifiers: Orphanet 642671, MedGen C4310756, MONDO:0014875, OMIM 617027.

Allele frequency attached by ClinVar (database versions not stated): gnomAD exomes below 0.00001.
gnomAD v4.1: 1 of 1,483,438 alleles (0.000067%); no homozygotes.

Submission:

Labcorp Genetics (formerly Invitae), Labcorp
Classification: Uncertain significance for Idiopathic generalized epilepsy; Hyperaldosteronism, familial, type IV. Last evaluated: 2024-01-29. Review status: criteria provided, single submitter. Criteria: Invitae Variant Classification Sherloc (09022015). Collection method: clinical testing. Allele origin: germline.
Comment: This sequence change replaces isoleucine, which is neutral and non-polar, with valine, which is neutral and non-polar, at codon 1722 of the CACNA1H protein (p.Ile1722Val). The frequency data for this variant in the population databases is considered unreliable, as metrics indicate poor data quality at this position in the gnomAD database. This variant has not been reported in the literature in individuals affected with CACNA1H-related conditions. ClinVar contains an entry for this variant (Variation ID: 2089559). Advanced modeling of protein sequence and biophysical properties (such as structural, functional, and spatial information, amino acid conservation, physicochemical variation, residue mobility, and thermodynamic stability) performed at Invitae indicates that this missense variant is expected to disrupt CACNA1H protein function with a positive predictive value of 80%. In summary, the available evidence is currently insufficient to determine the role of this variant in disease. Therefore, it has been classified as a Variant of Uncertain Significance.